The following is an entry in ClinVar:

ClinVar aggregate classification (germline): Uncertain significance (1 of 4 stars; one submission).

Conditions:
Hypertrophic cardiomyopathy. Also called: HYPERTROPHIC MYOCARDIOPATHY. Identifiers: Orphanet 217569, MedGen C0007194, MeSH D002312, MONDO:0005045, HP:0001639.

Submission:

Labcorp Genetics (formerly Invitae), Labcorp
Classification: Uncertain significance for Hypertrophic cardiomyopathy. Last evaluated: 2023-12-22. Review status: criteria provided, single submitter. Criteria: Invitae Variant Classification Sherloc (09022015). Collection method: clinical testing. Allele origin: germline.
Comment: This sequence change replaces threonine, which is neutral and polar, with asparagine, which is neutral and polar, at codon 993 of the MYH7 protein (p.Thr993Asn). This variant is not present in population databases (gnomAD no frequency). This variant has not been reported in the literature in individuals affected with MYH7-related conditions. Advanced modeling of protein sequence and biophysical properties (such as structural, functional, and spatial information, amino acid conservation, physicochemical variation, residue mobility, and thermodynamic stability) has been performed at Invitae for this missense variant, however the output from this modeling did not meet the statistical confidence thresholds required to predict the impact of this variant on MYH7 protein function. In summary, the available evidence is currently insufficient to determine the role of this variant in disease. Therefore, it has been classified as a Variant of Uncertain Significance.

NM_000257.4(MYH7):c.2978C>A (p.Thr993Asn)

Gene: MYH7 (myosin heavy chain 7; minus strand). Cytogenetic location: 14q11.2.
Variant type: single nucleotide variant.
Coding change: c.2978C>A on transcript NM_000257.4 (MANE Select); coding-DNA position 2978, C replaced by A.
Protein change: p.Thr993Asn; replaces threonine 993 with asparagine.
Molecular consequence: missense variant.
Genome position (GRCh38, 1-based): chr14:23,423,668, G>T on the plus strand (C>A on the coding strand, the complement: MYH7 is on the minus strand). VCF-style: chr14-23423668-G-T. GRCh37 (hg19) VCF-style: chr14-23892877-G-T.
Other names: c.2978C>A, p.Thr993Asn (NM_001407004.1); short protein forms T993N.
Identifiers: ClinVar variation 2787533 (VCV002787533.3), dbSNP rs1892574151, ClinGen allele CA389046351.